The following is an entry in ClinVar:

ClinVar aggregate classification (germline): Uncertain significance. Review status: criteria provided, multiple submitters, no conflicts (2 of 4 stars). 4 submissions from 4 submitters: Uncertain significance (4). Last evaluated 2026-01-28.

Conditions:
Inborn genetic diseases. Identifiers: MedGen C0950123, MeSH D030342.
Generalized epilepsy-paroxysmal dyskinesia syndrome (PNKD3). Also called: Paroxysmal nonkinesigenic dyskinesia, 3, with or without generalized epilepsy; Generalized epilepsy and paroxysmal dyskinesia. Identifiers: Orphanet 79137, MedGen C5574945, MONDO:0012276, OMIM 609446.

Allele frequency attached by ClinVar (database versions not stated): gnomAD exomes 0.00001 and 0.00002; ExAC 0.00002; gnomAD 0.00002; TOPMed 0.00002.
gnomAD v4.1: 28 of 1,613,726 alleles (0.0017%); highest among the groups gnomAD compares: East Asian, 0.0045%; no homozygotes.

Submissions (4):

Labcorp Genetics (formerly Invitae), Labcorp
Classification: Uncertain significance for Generalized epilepsy-paroxysmal dyskinesia syndrome. Last evaluated: 2026-01-28. Review status: criteria provided, single submitter. Criteria: Invitae Variant Classification Sherloc (09022015). Collection method: clinical testing. Allele origin: germline.
Comment: This sequence change replaces valine, which is neutral and non-polar, with isoleucine, which is neutral and non-polar, at codon 866 of the KCNMA1 protein (p.Val866Ile). This variant is present in population databases (rs764912308, gnomAD 0.004%). This variant has not been reported in the literature in individuals affected with KCNMA1-related conditions. ClinVar contains an entry for this variant (Variation ID: 502615). Invitae Evidence Modeling of protein sequence and biophysical properties (such as structural, functional, and spatial information, amino acid conservation, physicochemical variation, residue mobility, and thermodynamic stability) indicates that this missense variant is not expected to disrupt KCNMA1 protein function with a negative predictive value of 80%. In summary, the available evidence is currently insufficient to determine the role of this variant in disease. Therefore, it has been classified as a Variant of Uncertain Significance.

Ambry Genetics
Classification: Uncertain significance for Inborn genetic diseases. Last evaluated: 2025-08-02. Review status: criteria provided, single submitter. Criteria: Ambry Variant Classification Scheme 2023. Collection method: clinical testing. Allele origin: germline.

Eurofins Ntd Llc (ga)
Classification: Uncertain significance. Last evaluated: 2017-06-20. Review status: criteria provided, single submitter. Criteria: EGL Classification Definitions 2015. Collection method: clinical testing. Allele origin: germline. Observed: 1 variant allele, 1 heterozygote.

Breakthrough Genomics
Classification: Uncertain significance. Review status: criteria provided, single submitter. Criteria: ACMG Guidelines, 2015. Collection method: not provided. Allele origin: germline. Inheritance: Autosomal recessive inheritance. Affected: yes.

NM_001161352.2(KCNMA1):c.2770G>A (p.Val924Ile)

Genes: KCNMA1 (potassium calcium-activated channel subfamily M alpha 1; minus strand), KCNMA1-AS1 (KCNMA1 antisense RNA 1; plus strand). Cytogenetic location: 10q22.3.
Variant type: single nucleotide variant.
Coding change: c.2770G>A on transcript NM_001161352.2 (MANE Select); coding-DNA position 2770, G replaced by A.
Protein change: p.Val924Ile; replaces valine 924 with isoleucine.
Molecular consequence: missense variant.
Genome position (GRCh38, 1-based): chr10:76,944,905, C>T on the plus strand (G>A on the coding strand, the complement: KCNMA1 is on the minus strand). VCF-style: chr10-76944905-C-T. GRCh37 (hg19) VCF-style: chr10-78704663-C-T.
Other names: c.2596G>A (NM_002247.3); c.2608G>A, p.Val870Ile (NM_001014797.3, NM_001322835.2, NM_001322837.2); c.2719G>A, p.Val907Ile (NM_001161353.2); c.2446G>A, p.Val816Ile (NM_001271518.2); c.2605G>A, p.Val869Ile (NM_001271519.2, NM_001322829.2, NM_001322836.2); c.2617G>A, p.Val873Ile (NM_001322830.2); c.2596G>A, p.Val866Ile (NM_001322832.2, NM_002247.4); c.2143G>A, p.Val715Ile (NM_001322838.2); short protein forms V866I, V870I, V873I, V907I, V715I, V869I, V816I, V924I.
Identifiers: ClinVar variation 502615 (VCV000502615.12), dbSNP rs764912308, ClinGen allele CA5567989.
Genomic context (GRCh38, chr10:76,944,905, plus strand): 5'-TGCATTCCTTGTCCTGCAGCGAAGTATCATCAATATTATTCTGATTGGCTGACAGGATAA[C>T]GCACATGTCACAGAGGTTGATGTTGACAGCCCTTAAATCAGCCCGACTTAATGGCGTACC-3'
Protein context (NP_001154824.1, residues 914-934): AVNINLCDMC[Val924Ile]ILSANQNNID